The following is an entry in ClinVar:

NM_012452.3(TNFRSF13B):c.215G>T (p.Arg72Leu)

Gene: TNFRSF13B (TNF receptor superfamily member 13B; minus strand). Cytogenetic location: 17p11.2.
Variant type: single nucleotide variant.
Coding change: c.215G>T on transcript NM_012452.3 (MANE Select); coding-DNA position 215, G replaced by T.
Protein change: p.Arg72Leu; replaces arginine 72 with leucine.
Molecular consequence: missense variant.
Genome position (GRCh38, 1-based): chr17:16,948,968, C>A on the plus strand (G>T on the coding strand, the complement: TNFRSF13B is on the minus strand). VCF-style: chr17-16948968-C-A. GRCh37 (hg19) VCF-style: chr17-16852282-C-A.
Other names: short protein forms R72L.
Identifiers: ClinVar variation 1500328 (VCV001500328.8), dbSNP rs55916807, ClinGen allele CA398520228.

ClinVar aggregate classification (germline): Uncertain significance (1 of 4 stars; one submission).

Conditions:
Immunodeficiency, common variable, 2 (CVID2). Also called: HYPOGAMMAGLOBULINEMIA DUE TO TACI DEFICIENCY; ANTIBODY DEFICIENCY DUE TO TACI DEFECT. Identifiers: Orphanet 1572, MedGen C3150354, MONDO:0009413, OMIM 240500.

Submission:

Labcorp Genetics (formerly Invitae), Labcorp
Classification: Uncertain significance for Immunodeficiency, common variable, 2. Last evaluated: 2021-05-31. Review status: criteria provided, single submitter. Criteria: Invitae Variant Classification Sherloc (09022015). Collection method: clinical testing. Allele origin: germline.
Comment: This variant has not been reported in the literature in individuals with TNFRSF13B-related conditions. Algorithms developed to predict the effect of missense changes on protein structure and function output the following: SIFT: "Tolerated"; PolyPhen-2: "Benign"; Align-GVGD: "Class C0". The leucine amino acid residue is found in multiple mammalian species, suggesting that this missense change does not adversely affect protein function. These predictions have not been confirmed by published functional studies and their clinical significance is uncertain. In summary, the available evidence is currently insufficient to determine the role of this variant in disease. Therefore, it has been classified as a Variant of Uncertain Significance. This variant is not present in population databases (ExAC no frequency). This sequence change replaces arginine with leucine at codon 72 of the TNFRSF13B protein (p.Arg72Leu). The arginine residue is moderately conserved and there is a moderate physicochemical difference between arginine and leucine.